The following is an entry in ClinVar:

NM_015311.3(OBSL1):c.2690C>T (p.Ser897Leu)

Gene: OBSL1 (obscurin like cytoskeletal adaptor 1; minus strand). Cytogenetic location: 2q35.
Variant type: single nucleotide variant.
Coding change: c.2690C>T on transcript NM_015311.3 (MANE Select); coding-DNA position 2690, C replaced by T.
Protein change: p.Ser897Leu; replaces serine 897 with leucine.
Molecular consequence: missense variant.
Genome position (GRCh38, 1-based): chr2:219,562,665, G>A on the plus strand (C>T on the coding strand, the complement: OBSL1 is on the minus strand). VCF-style: chr2-219562665-G-A. GRCh37 (hg19) VCF-style: chr2-220427387-G-A.
Other names: c.2690C>T, p.Ser897Leu (NM_001173408.2, NM_001173431.2); short protein forms S897L.
Identifiers: ClinVar variation 334502 (VCV000334502.10), dbSNP rs748312907, ClinGen allele CA2131117.
Genomic context (GRCh38, chr2:219,562,665, plus strand): 5'-ACCACACGCTCCAGGCGCACGGCTGCCACATACACCTTGCCGCTGGGATACACGATCCAC[G>A]AGGAGACGTCTGGAGGACAGGGACAGCCACTGCCGGGCATGAGGGGTGTGCCCTGCCGTC-3'
Protein context (NP_056126.1, residues 887-907): YFTVTITDVS[Ser897Leu]WIVYPSGKVY

ClinVar aggregate classification (germline): Uncertain significance. Review status: criteria provided, multiple submitters, no conflicts (2 of 4 stars). 3 submissions from 3 submitters: Uncertain significance (3). Last evaluated 2025-11-24.

Conditions:
Inborn genetic diseases. Identifiers: MedGen C0950123, MeSH D030342.
3M syndrome 2. Also called: 3-M Syndrome, OBSL1-Related; THREE M SYNDROME 2. Identifiers: Orphanet 2616, MedGen C2752041, MONDO:0013039, OMIM 612921.

Allele frequency attached by ClinVar (database versions not stated): ExAC below 0.00001; gnomAD exomes 0.00003; TOPMed 0.00004.
gnomAD v4.1: 34 of 1,550,368 alleles (0.0022%); highest among the groups gnomAD compares: South Asian, 0.011%; no homozygotes.

Submissions (3):

Ambry Genetics
Classification: Uncertain significance for Inborn genetic diseases. Last evaluated: 2025-11-24. Review status: criteria provided, single submitter. Criteria: Ambry Variant Classification Scheme 2023. Collection method: clinical testing. Allele origin: germline.

Labcorp Genetics (formerly Invitae), Labcorp
Classification: Uncertain significance. Last evaluated: 2024-06-11. Review status: criteria provided, single submitter. Criteria: Invitae Variant Classification Sherloc (09022015). Collection method: clinical testing. Allele origin: germline.
Comment: This sequence change replaces serine, which is neutral and polar, with leucine, which is neutral and non-polar, at codon 897 of the OBSL1 protein (p.Ser897Leu). This variant is present in population databases (rs748312907, gnomAD 0.01%). This variant has not been reported in the literature in individuals affected with OBSL1-related conditions. ClinVar contains an entry for this variant (Variation ID: 334502). An algorithm developed to predict the effect of missense changes on protein structure and function (PolyPhen-2) suggests that this variant is likely to be tolerated. In summary, the available evidence is currently insufficient to determine the role of this variant in disease. Therefore, it has been classified as a Variant of Uncertain Significance.

Illumina Laboratory Services, Illumina
Classification: Uncertain significance for 3M syndrome 2. Last evaluated: 2018-01-13. Review status: criteria provided, single submitter. Criteria: ICSL Variant Classification Criteria 13 December 2019. Collection method: clinical testing. Allele origin: germline.